The following is an entry in ClinVar:

ClinVar aggregate classification (germline): Uncertain significance. Review status: criteria provided, multiple submitters, no conflicts (2 of 4 stars). 2 submissions from 2 submitters: Uncertain significance (2). Last evaluated 2023-02-06.

Allele frequency attached by ClinVar (database versions not stated): gnomAD exomes below 0.00001.
gnomAD v4.1: 1 of 1,614,178 alleles (0.000062%); highest among the groups gnomAD compares: Non-Finnish European, 0.000085%; no homozygotes.

Submissions (2):

Labcorp Genetics (formerly Invitae), Labcorp
Classification: Uncertain significance. Last evaluated: 2023-02-06. Review status: criteria provided, single submitter. Criteria: Invitae Variant Classification Sherloc (09022015). Collection method: clinical testing. Allele origin: germline.
Comment: In summary, the available evidence is currently insufficient to determine the role of this variant in disease. Therefore, it has been classified as a Variant of Uncertain Significance. Advanced modeling of protein sequence and biophysical properties (such as structural, functional, and spatial information, amino acid conservation, physicochemical variation, residue mobility, and thermodynamic stability) performed at Invitae indicates that this missense variant is not expected to disrupt CTNNA1 protein function. ClinVar contains an entry for this variant (Variation ID: 652802). This variant has not been reported in the literature in individuals affected with CTNNA1-related conditions. This variant is not present in population databases (gnomAD no frequency). This sequence change replaces glutamine, which is neutral and polar, with arginine, which is basic and polar, at codon 84 of the CTNNA1 protein (p.Gln84Arg).

Blueprint Genetics
Classification: Uncertain significance. Last evaluated: 2021-01-28. Review status: criteria provided, single submitter. Criteria: ACMG Guidelines, 2015. Collection method: clinical testing. Allele origin: germline.

NM_001903.5(CTNNA1):c.251A>G (p.Gln84Arg)

Gene: CTNNA1 (catenin alpha 1; plus strand). Cytogenetic location: 5q31.2.
Variant type: single nucleotide variant.
Coding change: c.251A>G on transcript NM_001903.5 (MANE Select); coding-DNA position 251, A replaced by G.
Protein change: p.Gln84Arg; replaces glutamine 84 with arginine.
Molecular consequence: missense variant. On other transcripts: intron variant (2).
Genome position (GRCh38, 1-based): chr5:138,783,322, A>G. VCF-style: chr5-138783322-A-G. GRCh37 (hg19) VCF-style: chr5-138119011-A-G.
Other names: c.251A>G, p.Gln84Arg (NM_001290307.3, NM_001323982.2, NM_001323983.1 and 3 more transcripts); c.-6+50A>G (NM_001290310.3); c.-9+1293A>G (NM_001290309.3); short protein forms Q84R.
Identifiers: ClinVar variation 652802 (VCV000652802.9), dbSNP rs1580984616, ClinGen allele CA361477615.